The following is an entry in ClinVar:

NM_005802.5(TOPORS):c.2991T>C (p.Asp997=)

Gene: TOPORS (TOP1 binding arginine/serine rich protein, E3 ubiquitin ligase; minus strand). Cytogenetic location: 9p21.1.
Variant type: single nucleotide variant.
Coding change: c.2991T>C on transcript NM_005802.5 (MANE Select); coding-DNA position 2991, T replaced by C.
Protein change: p.Asp997=; no amino-acid change (aspartic acid 997 retained).
Molecular consequence: synonymous variant.
Genome position (GRCh38, 1-based): chr9:32,541,534, A>G on the plus strand (T>C on the coding strand, the complement: TOPORS is on the minus strand). VCF-style: chr9-32541534-A-G. GRCh37 (hg19) VCF-style: chr9-32541532-A-G.
Other names: c.2796T>C, p.Asp932= (NM_001195622.2).
Identifiers: ClinVar variation 95315 (VCV000095315.19), dbSNP rs12348918, ClinGen allele CA222897.

ClinVar aggregate classification (germline): Benign. Review status: criteria provided, multiple submitters, no conflicts (2 of 4 stars). 5 submissions from 5 submitters: Benign (5). Last evaluated 2026-02-03.

Conditions:
Retinal dystrophy. Also called: Inherited retinal dystrophy. Identifiers: Orphanet 71862, MedGen C0854723, MeSH D058499, MONDO:0019118, HP:0000556.
Retinitis pigmentosa (RP). Identifiers: Orphanet 791, MedGen C0035334, MeSH D012174, MONDO:0019200, OMIM 268000. Inheritance: Autosomal dominant, autosomal recessive and X linked inheritance.

Allele frequency attached by ClinVar (database versions not stated): 1000 Genomes Project 0.11422; 1000 Genomes Project 30x 0.12008; TOPMed 0.17935; gnomAD exomes 0.18136 and 0.22718; ExAC 0.18519; gnomAD 0.18685 and 0.19195; ESP Exome Variant Server 0.20467.
gnomAD v4.1: 359,086 of 1,614,012 alleles (22%); highest among the groups gnomAD compares: Non-Finnish European, 25%; 43,453 homozygotes.

Submissions (5):

Labcorp Genetics (formerly Invitae), Labcorp
Classification: Benign. Last evaluated: 2026-02-03. Review status: criteria provided, single submitter. Criteria: Invitae Variant Classification Sherloc (09022015). Collection method: clinical testing. Allele origin: germline.

Dept Of Ophthalmology, Nagoya University
Classification: Benign for Retinal dystrophy. Last evaluated: 2023-10-01. Review status: criteria provided, single submitter. Criteria: Submitter's publication. Collection method: research. Allele origin: germline. Affected: yes.

Illumina Laboratory Services, Illumina
Classification: Benign for Retinitis pigmentosa. Last evaluated: 2018-01-13. Review status: criteria provided, single submitter. Criteria: ICSL Variant Classification Criteria 13 December 2019. Collection method: clinical testing. Allele origin: germline.
Comment: This variant was observed in the ICSL laboratory as part of a predisposition screen in an ostensibly healthy population. It had not been previously curated by ICSL or reported in the Human Gene Mutation Database (HGMD: prior to June 1st, 2018), and was therefore a candidate for classification through an automated scoring system. Utilizing variant allele frequency, disease prevalence and penetrance estimates, and inheritance mode, an automated score was calculated to assess if this variant is too frequent to cause the disease. Based on the score and internal cut-off values, a variant classified as benign is not then subjected to further curation. The score for this variant resulted in a classification of benign for this disease.

Eurofins Ntd Llc (ga)
Classification: Benign. Last evaluated: 2016-02-15. Review status: criteria provided, single submitter. Criteria: EGL Classification Definitions 2015. Collection method: clinical testing. Allele origin: germline. Observed: 2 variant alleles, 2 heterozygotes.

Breakthrough Genomics
Classification: Benign. Review status: criteria provided, single submitter. Criteria: ACMG Guidelines, 2015. Collection method: not provided. Allele origin: germline. Inheritance: Unknown mechanism. Affected: yes.